The following is an entry in ClinVar:

NM_017748.5(CWC25):c.585T>C (p.Ser195=)

Gene: CWC25 (CWC25 spliceosome associated protein; minus strand). Cytogenetic location: 17q12.
Variant type: single nucleotide variant.
Coding change: c.585T>C on transcript NM_017748.5 (MANE Select); coding-DNA position 585, T replaced by C.
Protein change: p.Ser195=; no amino-acid change (serine 195 retained).
Molecular consequence: synonymous variant. On other transcripts: non-coding transcript variant (1).
Genome position (GRCh38, 1-based): chr17:38,810,509, A>G on the plus strand (T>C on the coding strand, the complement: CWC25 is on the minus strand). VCF-style: chr17-38810509-A-G. GRCh37 (hg19) VCF-style: chr17-36966762-A-G.
Identifiers: ClinVar variation 4822059 (VCV004822059.4).

ClinVar aggregate classification (germline): Likely benign (1 of 4 stars; one submission).

gnomAD v4.1: 1 of 1,606,354 alleles (0.000062%); highest among the groups gnomAD compares: East Asian, 0.0022%; no homozygotes.

Submission:

CeGaT Center for Human Genetics Tuebingen
Classification: Likely benign. Last evaluated: 2026-03-01. Review status: criteria provided, single submitter. Criteria: CeGaT Center For Human Genetics Tuebingen Variant Classification Criteria Version 2. Collection method: clinical testing. Allele origin: germline. Affected: yes. Observed: 1 variant allele.
Comment: CWC25: BP4, BP7